The following is an entry in ClinVar:

NM_021076.4(NEFH):c.1945C>T (p.Pro649Ser)

Gene: NEFH (neurofilament heavy chain; plus strand). Cytogenetic location: 22q12.2.
Variant type: single nucleotide variant.
Coding change: c.1945C>T on transcript NM_021076.4 (MANE Select); coding-DNA position 1945, C replaced by T.
Protein change: p.Pro649Ser; replaces proline 649 with serine.
Molecular consequence: missense variant.
Genome position (GRCh38, 1-based): chr22:29,489,585, C>T. VCF-style: chr22-29489585-C-T. GRCh37 (hg19) VCF-style: chr22-29885574-C-T.
Other names: c.1945C>T (NM_021076.3); short protein forms P649S.
Identifiers: ClinVar variation 4741229 (VCV004741229.6).

ClinVar aggregate classification (germline): Conflicting classifications of pathogenicity. Review status: criteria provided, conflicting classifications (1 of 4 stars). 3 submissions from 3 submitters: Uncertain significance (2); Likely benign (1). Last evaluated 2026-07-16.

Conditions:
NEFH-related disorder. Also called: NEFH-related condition.

gnomAD v4.1: 9 of 1,613,186 alleles (0.00056%); highest among the groups gnomAD compares: Non-Finnish European, 0.00076%; no homozygotes.

Submissions (3):

PreventionGenetics, part of Exact Sciences
Classification: Uncertain significance for NEFH-related condition. Last evaluated: 2026-07-16. Review status: criteria provided, single submitter. Criteria: ACMG Guidelines, 2015. Collection method: clinical testing. Allele origin: germline.
Comment: The NEFH c.1945C>T variant is predicted to result in the amino acid substitution p.Pro649Ser. To our knowledge, this variant has not been reported in the literature. This variant is reported in 0.0033% of alleles in individuals of South Asian descent in gnomAD. At this time, the clinical significance of this variant is uncertain due to the absence of conclusive functional and genetic evidence.

CeGaT Center for Human Genetics Tuebingen
Classification: Likely benign. Last evaluated: 2026-03-01. Review status: criteria provided, single submitter. Criteria: CeGaT Center For Human Genetics Tuebingen Variant Classification Criteria Version 2. Collection method: clinical testing. Allele origin: germline. Affected: yes. Observed: 1 variant allele.
Comment: NEFH: PP2, BS2

Labcorp Genetics (formerly Invitae), Labcorp
Classification: Uncertain significance. Last evaluated: 2025-10-13. Review status: criteria provided, single submitter. Criteria: Invitae Variant Classification Sherloc (09022015). Collection method: clinical testing. Allele origin: germline.
Comment: This sequence change replaces proline, which is neutral and non-polar, with serine, which is neutral and polar, at codon 649 of the NEFH protein (p.Pro649Ser). This variant is present in population databases (rs541596221, gnomAD 0.003%). This variant has not been reported in the literature in individuals affected with NEFH-related conditions. Invitae Evidence Modeling of protein sequence and biophysical properties (such as structural, functional, and spatial information, amino acid conservation, physicochemical variation, residue mobility, and thermodynamic stability) indicates that this missense variant is not expected to disrupt NEFH protein function with a negative predictive value of 95%. In summary, the available evidence is currently insufficient to determine the role of this variant in disease. Therefore, it has been classified as a Variant of Uncertain Significance.